The following is an entry in ClinVar:

ClinVar aggregate classification (germline): Uncertain significance. Review status: criteria provided, multiple submitters, no conflicts (2 of 4 stars). 3 submissions from 3 submitters: Uncertain significance (3). Last evaluated 2025-08-11.

Conditions:
Inborn genetic diseases. Identifiers: MedGen C0950123, MeSH D030342.

Allele frequency attached by ClinVar (database versions not stated): gnomAD exomes 0.00001; TOPMed 0.00002; gnomAD 0.00003.
gnomAD v4.1: 8 of 1,613,672 alleles (0.0005%); highest among the groups gnomAD compares: Non-Finnish European, 0.00068%; no homozygotes.

Submissions (3):

Labcorp Genetics (formerly Invitae), Labcorp
Classification: Uncertain significance. Last evaluated: 2025-08-11. Review status: criteria provided, single submitter. Criteria: Invitae Variant Classification Sherloc (09022015). Collection method: clinical testing. Allele origin: germline.
Comment: This sequence change replaces glycine, which is neutral and non-polar, with aspartic acid, which is acidic and polar, at codon 296 of the GNAT1 protein (p.Gly296Asp). This variant is present in population databases (no rsID available, gnomAD 0.02%). This variant has not been reported in the literature in individuals affected with GNAT1-related conditions. ClinVar contains an entry for this variant (Variation ID: 1003615). Invitae Evidence Modeling of protein sequence and biophysical properties (such as structural, functional, and spatial information, amino acid conservation, physicochemical variation, residue mobility, and thermodynamic stability) has been performed for this missense variant. However, the output from this modeling did not meet the statistical confidence thresholds required to predict the impact of this variant on GNAT1 protein function. In summary, the available evidence is currently insufficient to determine the role of this variant in disease. Therefore, it has been classified as a Variant of Uncertain Significance.

Ambry Genetics
Classification: Uncertain significance for Inborn genetic diseases. Last evaluated: 2024-04-09. Review status: criteria provided, single submitter. Criteria: Ambry Variant Classification Scheme 2023. Collection method: clinical testing. Allele origin: germline.

Blueprint Genetics
Classification: Uncertain significance. Last evaluated: 2021-09-14. Review status: criteria provided, single submitter. Criteria: ACMG Guidelines, 2015. Collection method: clinical testing. Allele origin: germline.

NM_144499.3(GNAT1):c.887G>A (p.Gly296Asp)

Gene: GNAT1 (G protein subunit alpha transducin 1; plus strand). Cytogenetic location: 3p21.31.
Variant type: single nucleotide variant.
Coding change: c.887G>A on transcript NM_144499.3 (MANE Select); coding-DNA position 887, G replaced by A.
Protein change: p.Gly296Asp; replaces glycine 296 with aspartic acid.
Molecular consequence: missense variant.
Genome position (GRCh38, 1-based): chr3:50,194,789, G>A. VCF-style: chr3-50194789-G-A. GRCh37 (hg19) VCF-style: chr3-50232222-G-A.
Other names: c.887G>A, p.Gly296Asp (NM_000172.4); c.887G>A (NM_144499.2); short protein forms G296D.
Identifiers: ClinVar variation 1003615 (VCV001003615.7), dbSNP rs1241953207, ClinGen allele CA352918938.
Genomic context (GRCh38, chr3:50,194,789, plus strand): 5'-AAGGGCTGAGCAGAGTGAGAGCTCCCGCCCCCGCAGGACCCAACACCTACGAGGACGCCG[G>A]CAACTACATCAAGGTGCAGTTCCTCGAGCTCAACATGCGGCGCGACGTGAAGGAGATCTA-3'
Protein context (NP_653082.1, residues 286-306): YDGPNTYEDA[Gly296Asp]NYIKVQFLEL